The following is an entry in ClinVar:

ClinVar aggregate classification (germline): Uncertain significance (1 of 4 stars; one submission).

Conditions:
Familial adenomatous polyposis 1 (FAP1). Also called: FAMILIAL ADENOMATOUS POLYPOSIS 1, ATTENUATED; POLYPOSIS, ADENOMATOUS INTESTINAL. Identifiers: MedGen C2713442, MONDO:0021056, OMIM 175100. Disease mechanism: loss of function.

Submission:

Labcorp Genetics (formerly Invitae), Labcorp
Classification: Uncertain significance for Familial adenomatous polyposis 1. Last evaluated: 2025-03-27. Review status: criteria provided, single submitter. Criteria: Invitae Variant Classification Sherloc (09022015). Collection method: clinical testing. Allele origin: germline.
Comment: This sequence change replaces leucine, which is neutral and non-polar, with serine, which is neutral and polar, at codon 964 of the APC protein (p.Leu964Ser). This variant is not present in population databases (gnomAD no frequency). This variant has not been reported in the literature in individuals affected with APC-related conditions. Invitae Evidence Modeling of protein sequence and biophysical properties (such as structural, functional, and spatial information, amino acid conservation, physicochemical variation, residue mobility, and thermodynamic stability) indicates that this missense variant is not expected to disrupt APC protein function with a negative predictive value of 95%. In summary, the available evidence is currently insufficient to determine the role of this variant in disease. Therefore, it has been classified as a Variant of Uncertain Significance.

NM_000038.6(APC):c.2891T>C (p.Leu964Ser)

Gene: APC (APC regulator of Wnt signaling pathway; plus strand). Cytogenetic location: 5q22.2.
Variant type: single nucleotide variant.
Coding change: c.2891T>C on transcript NM_000038.6 (MANE Select); coding-DNA position 2891, T replaced by C.
Protein change: p.Leu964Ser; replaces leucine 964 with serine.
Molecular consequence: missense variant. On other transcripts: non-coding transcript variant (2).
Genome position (GRCh38, 1-based): chr5:112,838,485, T>C. VCF-style: chr5-112838485-T-C. GRCh37 (hg19) VCF-style: chr5-112174182-T-C.
Other names: c.2891T>C, p.Leu964Ser (NM_001127510.3, NM_001354895.2, NM_001407450.1); c.2837T>C, p.Leu946Ser (NM_001127511.3); c.2945T>C, p.Leu982Ser (NM_001354896.2, NM_001407447.1, NM_001407448.1 and 1 more transcripts); c.2921T>C, p.Leu974Ser (NM_001354897.2); c.2816T>C, p.Leu939Ser (NM_001354898.2); c.2807T>C, p.Leu936Ser (NM_001354899.2); c.2768T>C, p.Leu923Ser (NM_001354900.2); c.2714T>C, p.Leu905Ser (NM_001354901.2, NM_001407453.1); and 11 more; short protein forms L580S, L681S, L804S, L835S, L838S, L863S, L873S, L881S.
Identifiers: ClinVar variation 4801457 (VCV004801457.1).